The following is an entry in ClinVar:

NM_002246.3(KCNK3):c.1147A>G (p.Thr383Ala)

Gene: KCNK3 (potassium two pore domain channel subfamily K member 3; plus strand). Cytogenetic location: 2p23.3.
Variant type: single nucleotide variant.
Coding change: c.1147A>G on transcript NM_002246.3 (MANE Select); coding-DNA position 1147, A replaced by G.
Protein change: p.Thr383Ala; replaces threonine 383 with alanine.
Molecular consequence: missense variant.
Genome position (GRCh38, 1-based): chr2:26,728,530, A>G. VCF-style: chr2-26728530-A-G. GRCh37 (hg19) VCF-style: chr2-26951398-A-G.
Other names: short protein forms T383A.
Identifiers: ClinVar variation 1390001 (VCV001390001.7), dbSNP rs1663475413, ClinGen allele CA346263511.

ClinVar aggregate classification (germline): Uncertain significance. Review status: criteria provided, multiple submitters, no conflicts (2 of 4 stars). 2 submissions from 2 submitters: Uncertain significance (2). Last evaluated 2024-06-04.

Conditions:
Pulmonary hypertension, primary, 4. Identifiers: Orphanet 422, MedGen C3809198, MONDO:0014136, OMIM 615344.

Allele frequency attached by ClinVar (database versions not stated): gnomAD exomes below 0.00001; TOPMed below 0.00001.
gnomAD v4.1: 6 of 1,474,422 alleles (0.00041%); highest among the groups gnomAD compares: Non-Finnish European, 0.00054%; no homozygotes.

Submissions (2):

Fulgent Genetics
Classification: Uncertain significance for Pulmonary hypertension, primary, 4. Last evaluated: 2024-06-04. Review status: criteria provided, single submitter. Criteria: ACMG Guidelines, 2015. Collection method: clinical testing. Allele origin: germline.

Labcorp Genetics (formerly Invitae), Labcorp
Classification: Uncertain significance for Pulmonary hypertension, primary, 4. Last evaluated: 2021-09-15. Review status: criteria provided, single submitter. Criteria: Invitae Variant Classification Sherloc (09022015). Collection method: clinical testing. Allele origin: germline.
Comment: In summary, the available evidence is currently insufficient to determine the role of this variant in disease. Therefore, it has been classified as a Variant of Uncertain Significance. Algorithms developed to predict the effect of missense changes on protein structure and function output the following: SIFT: "Tolerated"; PolyPhen-2: "Benign"; Align-GVGD: "Class C0". The alanine amino acid residue is found in multiple mammalian species, which suggests that this missense change does not adversely affect protein function. This sequence change replaces threonine with alanine at codon 383 of the KCNK3 protein (p.Thr383Ala). The threonine residue is weakly conserved and there is a small physicochemical difference between threonine and alanine. The frequency data for this variant in the population databases is considered unreliable, as metrics indicate insufficient coverage at this position in the ExAC database. This variant has not been reported in the literature in individuals affected with KCNK3-related conditions.